The following is an entry in ClinVar:

ClinVar aggregate classification (germline): Likely benign. Review status: criteria provided, multiple submitters, no conflicts (2 of 4 stars). 2 submissions from 2 submitters: Likely benign (2). Last evaluated 2025-06-19.

Conditions:
KPNA7-related disorder. Also called: KPNA7-related condition.

Allele frequency attached by ClinVar (database versions not stated): gnomAD 0.00002 and 0.00005; TOPMed 0.00002; gnomAD exomes 0.00013; 1000 Genomes Project 30x 0.00016; 1000 Genomes Project 0.00020; ExAC 0.00032.
gnomAD v4.1: 115 of 1,549,444 alleles (0.0074%); highest among the groups gnomAD compares: South Asian, 0.086%; no homozygotes.

Submissions (2):

Labcorp Genetics (formerly Invitae), Labcorp
Classification: Likely benign. Last evaluated: 2025-06-19. Review status: criteria provided, single submitter. Criteria: Invitae Variant Classification Sherloc (09022015). Collection method: clinical testing. Allele origin: germline.

PreventionGenetics, part of Exact Sciences
Classification: Likely benign for KPNA7-related condition. Last evaluated: 2025-05-27. Review status: criteria provided, single submitter. Criteria: ACMG Guidelines, 2015. Collection method: clinical testing. Allele origin: germline.
Comment: This variant is classified as likely benign based on ACMG/AMP sequence variant interpretation guidelines (Richards et al. 2015 PMID: 25741868, with internal and published modifications).

NM_001145715.3(KPNA7):c.900+8C>T

Gene: KPNA7 (karyopherin subunit alpha 7; minus strand). Cytogenetic location: 7q22.1.
Variant type: single nucleotide variant.
Coding change: c.900+8C>T on transcript NM_001145715.3 (MANE Select); 8 bases into the intron after coding-DNA position 900, C replaced by T.
Molecular consequence: intron variant.
Genome position (GRCh38, 1-based): chr7:99,188,292, G>A on the plus strand (C>T on the coding strand, the complement: KPNA7 is on the minus strand). VCF-style: chr7-99188292-G-A. GRCh37 (hg19) VCF-style: chr7-98785915-G-A.
Other names: c.900+8C>T (NM_001145715.2).
Identifiers: ClinVar variation 1566494 (VCV001566494.9), dbSNP rs572557822, ClinGen allele CA4363174.